The following is an entry in ClinVar:

NM_003072.5(SMARCA4):c.440C>A (p.Ser147Tyr)

Gene: SMARCA4 (SWI/SNF related BAF chromatin remodeling complex subunit ATPase 4; plus strand). Cytogenetic location: 19p13.2.
Variant type: single nucleotide variant.
Coding change: c.440C>A on transcript NM_003072.5 (MANE Select); coding-DNA position 440, C replaced by A.
Protein change: p.Ser147Tyr; replaces serine 147 with tyrosine.
Molecular consequence: missense variant. On other transcripts: non-coding transcript variant (1).
Genome position (GRCh38, 1-based): chr19:10,986,273, C>A. VCF-style: chr19-10986273-C-A. GRCh37 (hg19) VCF-style: chr19-11096949-C-A.
Other names: c.440C>A, p.Ser147Tyr (NM_001128844.3, NM_001128845.2, NM_001128846.2 and 6 more transcripts); short protein forms S147Y.
Identifiers: ClinVar variation 2452864 (VCV002452864.3), dbSNP rs2145774051, ClinGen allele CA404055956.

ClinVar aggregate classification (germline): Uncertain significance (1 of 4 stars; one submission).

Conditions:
Hereditary cancer-predisposing syndrome. Also called: Neoplastic Syndromes, Hereditary; Tumor predisposition; Hereditary neoplastic syndrome; Hereditary Cancer Syndrome. Identifiers: Orphanet 140162, MedGen C0027672, MeSH D009386, MONDO:0015356.

Submission:

Ambry Genetics
Classification: Uncertain significance for Hereditary cancer-predisposing syndrome. Last evaluated: 2025-04-15. Review status: criteria provided, single submitter. Criteria: Ambry Variant Classification Scheme 2023. Collection method: clinical testing. Allele origin: germline.
Comment: The p.S147Y variant (also known as c.440C>A), located in coding exon 3 of the SMARCA4 gene, results from a C to A substitution at nucleotide position 440. The serine at codon 147 is replaced by tyrosine, an amino acid with dissimilar properties. This amino acid position is well conserved in available vertebrate species. In addition, the in silico prediction for this alteration is inconclusive. Missense and in-frame variants in SMARCA4 are known to cause neurodevelopmental disorders; however, such associations with rhabdoid tumor predisposition syndrome including small cell carcinoma of the ovary-hypercalcemic type (SCCOHT) are exceedingly rare (Kosho T et al. Am J Med Genet C Semin Med Genet. 2014 Sep;166C(3):262-75; Jelinic P et al. Nat Genet. 2014 May;46(5):424-6). Based on the supporting evidence, the association of this alteration with Coffin-Siris syndrome is unknown; however, the association of this alteration with rhabdoid tumor predisposition syndrome is unlikely.